The following is an entry in ClinVar:

NM_001098.3(ACO2):c.269G>A (p.Arg90Gln)

Gene: ACO2 (aconitase 2; plus strand). Cytogenetic location: 22q13.2.
Variant type: single nucleotide variant.
Coding change: c.269G>A on transcript NM_001098.3 (MANE Select); coding-DNA position 269, G replaced by A.
Protein change: p.Arg90Gln; replaces arginine 90 with glutamine.
Molecular consequence: missense variant.
Genome position (GRCh38, 1-based): chr22:41,507,886, G>A. VCF-style: chr22-41507886-G-A. GRCh37 (hg19) VCF-style: chr22-41903890-G-A.
Other names: short protein forms R90Q.
Identifiers: ClinVar variation 937469 (VCV000937469.11), dbSNP rs373973502, ClinGen allele CA10257325.

ClinVar aggregate classification (germline): Uncertain significance. Review status: criteria provided, multiple submitters, no conflicts (2 of 4 stars). 2 submissions from 2 submitters: Uncertain significance (2). Last evaluated 2022-06-27.

Allele frequency attached by ClinVar (database versions not stated): gnomAD exomes 0.00001 and 0.00002; ExAC 0.00002; ESP Exome Variant Server 0.00008.
gnomAD v4.1: 14 of 1,614,242 alleles (0.00087%); highest among the groups gnomAD compares: Middle Eastern, 0.016%; no homozygotes.

Submissions (2):

Labcorp Genetics (formerly Invitae), Labcorp
Classification: Uncertain significance. Last evaluated: 2022-06-27. Review status: criteria provided, single submitter. Criteria: Invitae Variant Classification Sherloc (09022015). Collection method: clinical testing. Allele origin: germline.
Comment: In summary, the available evidence is currently insufficient to determine the role of this variant in disease. Therefore, it has been classified as a Variant of Uncertain Significance. Algorithms developed to predict the effect of sequence changes on RNA splicing suggest that this variant may create or strengthen a splice site. Advanced modeling of protein sequence and biophysical properties (such as structural, functional, and spatial information, amino acid conservation, physicochemical variation, residue mobility, and thermodynamic stability) performed at Invitae indicates that this missense variant is expected to disrupt ACO2 protein function. ClinVar contains an entry for this variant (Variation ID: 937469). This variant has not been reported in the literature in individuals affected with ACO2-related conditions. This variant is present in population databases (rs373973502, gnomAD 0.003%). This sequence change replaces arginine, which is basic and polar, with glutamine, which is neutral and polar, at codon 90 of the ACO2 protein (p.Arg90Gln).

GeneDx
Classification: Uncertain significance. Last evaluated: 2019-08-09. Review status: criteria provided, single submitter. Criteria: GeneDx Variant Classification Process June 2021. Collection method: clinical testing. Allele origin: germline. Affected: yes.
Comment: Not observed at a significant frequency in large population cohorts (Lek et al., 2016); In silico analysis, which includes protein predictors and evolutionary conservation, supports that this variant does not alter protein structure/function; Has not been previously published as pathogenic or benign to our knowledge